The following is an entry in ClinVar:

NM_181674.3(PPP2R2B):c.75-562AGC[9]

Genes: PPP2R2B (protein phosphatase 2 regulatory subunit Bbeta; minus strand), LOC108660405 (protein phosphatase 2 regulatory subunit Bbeta repeat instability region; plus strand). Cytogenetic location: 5q32.
Variant type: Microsatellite.
Coding change: c.75-562AGC[9] on transcript NM_181674.3; nine copies in a row of the 3-base unit AGC starting at c.75-562; the reference has ten copies in a row; one copy, 3 bases deleted.
Molecular consequence: intron variant.
Genome position (GRCh38, 1-based): chr5:146,878,728-146,878,730, GCT deleted on the plus strand (AGC on the coding strand, the reverse complement: PPP2R2B is on the minus strand); deleting any 3 consecutive bases within chr5:146,878,728-146,878,759 gives the same sequence; the position shown is the placement nearest the transcript's 3' end. VCF-style (leftmost placement, unchanged base first): chr5-146878727-AGCT-A. GRCh37 (hg19) VCF-style: chr5-146258290-AGCT-A.
Other names: c.51-562AGC[9] (NM_001271900.2); c.79+176908AGC[9] (NM_181676.3); c.89-177615AGC[9] (NM_001271899.1); c.-48-22174AGC[9] (NM_181678.2); c.10+156412AGC[9] (NM_181677.2).
Identifiers: ClinVar variation 3056407 (VCV003056407.3), dbSNP rs10591869, ClinGen allele CA129612441.
Genomic context (GRCh38, chr5:146,878,727, plus strand): 5'-GGCAGGGCGCTGCAGCCGGCGCCAGCGCACTCACCCTCACACCCACACGCGCGCACTCGC[AGCT>A]GCTGCTGCTGCTGCTGCTGCTGCTGCTGCAGGAGGCTGGAGGCGGCTGGTGCATTAAAGG-3'

ClinVar aggregate classification (germline): Benign. Review status: criteria provided, single submitter (1 of 4 stars). 2 submissions from 2 submitters: Benign (1). 1 of the submissions does not count toward it. Last evaluated 2025-02-16.

Conditions:
PPP2R2B-related disorder. Also called: PPP2R2B-related condition.

Submissions (2):

Laboratory of Genetics, Children's Clinical University Hospital Latvia
Classification: Benign. Last evaluated: 2025-02-16. Review status: criteria provided, single submitter. Criteria: ACMG Guidelines, 2015. Collection method: clinical testing. Allele origin: germline. Affected: yes.

PreventionGenetics, part of Exact Sciences
Classification: Benign for PPP2R2B-related condition. Last evaluated: 2019-05-09. Review status: no assertion criteria provided. Collection method: clinical testing. Allele origin: germline. Not counted in ClinVar's aggregate classification.
Comment: This variant is classified as benign based on ACMG/AMP sequence variant interpretation guidelines (Richards et al. 2015 PMID: 25741868, with internal and published modifications).